The following is an entry in ClinVar:

ClinVar aggregate classification (germline): Uncertain significance (1 of 4 stars; one submission).

gnomAD v4.1: 1 of 1,609,342 alleles (0.000062%); highest among the groups gnomAD compares: African/African-American, 0.0013%; no homozygotes.

Submission:

Labcorp Genetics (formerly Invitae), Labcorp
Classification: Uncertain significance. Last evaluated: 2023-02-24. Review status: criteria provided, single submitter. Criteria: Invitae Variant Classification Sherloc (09022015). Collection method: clinical testing. Allele origin: germline.
Comment: In summary, the available evidence is currently insufficient to determine the role of this variant in disease. Therefore, it has been classified as a Variant of Uncertain Significance. An algorithm developed to predict the effect of missense changes on protein structure and function (PolyPhen-2) suggests that this variant is likely to be tolerated. This variant has not been reported in the literature in individuals affected with AP3D1-related conditions. This variant is not present in population databases (gnomAD no frequency). This sequence change replaces leucine, which is neutral and non-polar, with phenylalanine, which is neutral and non-polar, at codon 1146 of the AP3D1 protein (p.Leu1146Phe).

NM_001261826.3(AP3D1):c.3436C>T (p.Leu1146Phe)

Gene: AP3D1 (adaptor related protein complex 3 subunit delta 1; minus strand). Cytogenetic location: 19p13.3.
Variant type: single nucleotide variant.
Coding change: c.3436C>T on transcript NM_001261826.3 (MANE Select); coding-DNA position 3436, C replaced by T.
Protein change: p.Leu1146Phe; replaces leucine 1146 with phenylalanine.
Molecular consequence: missense variant.
Genome position (GRCh38, 1-based): chr19:2,109,122, G>A on the plus strand (C>T on the coding strand, the complement: AP3D1 is on the minus strand). VCF-style: chr19-2109122-G-A. GRCh37 (hg19) VCF-style: chr19-2109121-G-A.
Other names: c.3400C>T, p.Leu1134Phe (NM_001374799.1); c.3250C>T, p.Leu1084Phe (NM_003938.8); short protein forms L1084F, L1134F, L1146F.
Identifiers: ClinVar variation 2789075 (VCV002789075.3), dbSNP rs749972655, ClinGen allele CA403200880.